The following is an entry in ClinVar:

ClinVar aggregate classification (germline): Uncertain significance (1 of 4 stars; one submission).

Conditions:
Hereditary cancer-predisposing syndrome. Also called: Hereditary neoplastic syndrome; Hereditary Cancer Syndrome; Neoplastic Syndromes, Hereditary; Tumor predisposition. Identifiers: Orphanet 140162, MedGen C0027672, MeSH D009386, MONDO:0015356.

Submission:

Color Diagnostics, LLC DBA Color Health
Classification: Uncertain significance for Hereditary cancer-predisposing syndrome. Last evaluated: 2024-03-07. Review status: criteria provided, single submitter. Criteria: ACMG Guidelines, 2015. Collection method: clinical testing. Allele origin: germline.
Comment: This missense variant replaces aspartic acid with valine at codon 1041 of the MSH6 protein. Computational prediction suggests that this variant may have deleterious impact on protein structure and function (internally defined REVEL score threshold >= 0.7, PMID: 27666373). To our knowledge, functional studies have not been reported for this variant. This variant has not been reported in individuals affected with hereditary cancer in the literature. This variant has not been identified in the general population by the Genome Aggregation Database (gnomAD). The available evidence is insufficient to determine the role of this variant in disease conclusively. Therefore, this variant is classified as a Variant of Uncertain Significance.

NM_000179.3(MSH6):c.3122A>T (p.Asp1041Val)

Gene: MSH6 (mutS homolog 6; plus strand). Cytogenetic location: 2p16.3.
Variant type: single nucleotide variant.
Coding change: c.3122A>T on transcript NM_000179.3 (MANE Select); coding-DNA position 3122, A replaced by T.
Protein change: p.Asp1041Val; replaces aspartic acid 1041 with valine.
Molecular consequence: missense variant. On other transcripts: non-coding transcript variant (5), intron variant (2).
Genome position (GRCh38, 1-based): chr2:47,801,105, A>T. VCF-style: chr2-47801105-A-T. GRCh37 (hg19) VCF-style: chr2-48028244-A-T.
Other names: c.2732A>T, p.Asp911Val (NM_001281492.2); c.2216A>T, p.Asp739Val (NM_001281493.2, NM_001281494.2, NM_001406811.1 and 6 more transcripts); c.3218A>T, p.Asp1073Val (NM_001406795.1, NM_001406802.1); c.3122A>T, p.Asp1041Val (NM_001406796.1, NM_001406798.1, NM_001406800.1 and 2 more transcripts); c.2825A>T, p.Asp942Val (NM_001406797.1, NM_001406801.1, NM_001406805.1 and 10 more transcripts); c.2597A>T, p.Asp866Val (NM_001406799.1, NM_001406806.1, NM_001406807.1); c.3044A>T, p.Asp1015Val (NM_001406804.1); c.3128A>T, p.Asp1043Val (NM_001406813.1); and 4 more; short protein forms D1041V, D911V, D942V, D1073V, D866V, D1015V, D356V, D1043V.
Identifiers: ClinVar variation 2773658 (VCV002773658.2), dbSNP rs1558668208, ClinGen allele CA346756642.